The following is an entry in ClinVar:

ClinVar aggregate classification (germline): Pathogenic (1 of 4 stars; one submission).

Submission:

Labcorp Genetics (formerly Invitae), Labcorp
Classification: Pathogenic. Last evaluated: 2018-11-10. Review status: criteria provided, single submitter. Criteria: Invitae Variant Classification Sherloc (09022015). Collection method: clinical testing. Allele origin: germline.
Comment: This variant is an out-of-frame deletion of the genomic region encompassing exon 7 of the CYP19A1 gene. This is expected to create a premature translational stop signal and result in an absent or disrupted protein product. This variant has not been reported in the literature in individuals with CYP19A1-related disease. Loss-of-function variants in CYP19A1 are known to be pathogenic (PMID: 14602738, 27086564, 27256151). For these reasons, this variant has been classified as Pathogenic.

Literature cited by the submitters: PubMed 14602738; PubMed 27086564; PubMed 27256151.

NC_000015.10:g.(?_51218531)_(51218665_?)del

Genes: CYP19A1 (cytochrome P450 family 19 subfamily A member 1; minus strand), MIR4713HG (MIR4713 host gene; plus strand), PIRC66 (piwi-interacting RNA cluster 66; plus strand). Cytogenetic location: 15q21.2.
Variant type: Deletion.
Identifiers: ClinVar variation 658982 (VCV000658982.4).